The following is an entry in ClinVar:

NM_001142864.4(PIEZO1):c.998G>A (p.Arg333His)

Genes: HSALR1 (HSP90AB1 associated lncRNA 1; plus strand), PIEZO1 (piezo type mechanosensitive ion channel component 1 (Er blood group); minus strand). Cytogenetic location: 16q24.3.
Variant type: single nucleotide variant.
Coding change: c.998G>A on transcript NM_001142864.4 (MANE Select); coding-DNA position 998, G replaced by A.
Protein change: p.Arg333His; replaces arginine 333 with histidine.
Molecular consequence: missense variant. On other transcripts: non-coding transcript variant (1).
Genome position (GRCh38, 1-based): chr16:88,737,956, C>T on the plus strand (G>A on the coding strand, the complement: PIEZO1 is on the minus strand). VCF-style: chr16-88737956-C-T. GRCh37 (hg19) VCF-style: chr16-88804364-C-T.
Other names: p.Arg333His; short protein forms R333H.
Identifiers: ClinVar variation 778649 (VCV000778649.52), dbSNP rs139099911, ClinGen allele CA8233151.

ClinVar aggregate classification (germline): Benign/Likely benign. Review status: criteria provided, multiple submitters, no conflicts (2 of 4 stars). 9 submissions from 9 submitters: Benign (2); Likely benign (4). 3 of the submissions do not count toward it. Last evaluated 2026-08-01.

Allele frequency attached by ClinVar (database versions not stated): ExAC 0.00547; gnomAD exomes 0.00556 and 0.00559; ESP Exome Variant Server 0.00789; 1000 Genomes Project 0.00799; gnomAD 0.00822 and 0.00845; 1000 Genomes Project 30x 0.00890; TOPMed 0.00927.
gnomAD v4.1: 9,029 of 1,531,970 alleles (0.59%); highest among the groups gnomAD compares: African/African-American, 1.4%; 35 homozygotes.

Submissions (9):

CeGaT Center for Human Genetics Tuebingen
Classification: Benign. Last evaluated: 2026-08-01. Review status: criteria provided, single submitter. Criteria: CeGaT Center For Human Genetics Tuebingen Variant Classification Criteria Version 2. Collection method: clinical testing. Allele origin: germline. Affected: yes. Observed: 8 variant alleles.
Comment: PIEZO1: BP4, BS1, BS2

Labcorp Genetics (formerly Invitae), Labcorp
Classification: Benign. Last evaluated: 2026-01-16. Review status: criteria provided, single submitter. Criteria: Invitae Variant Classification Sherloc (09022015). Collection method: clinical testing. Allele origin: germline.

ARUP Laboratories, Molecular Genetics and Genomics, ARUP Laboratories
Classification: Likely benign. Last evaluated: 2025-07-04. Review status: criteria provided, single submitter. Criteria: ARUP Molecular Germline Variant Investigation Process 2024. Collection method: clinical testing. Allele origin: germline.

Mayo Clinic Laboratories, Mayo Clinic
Classification: Likely benign. Last evaluated: 2024-12-26. Review status: criteria provided, single submitter. Criteria: ACMG Guidelines, 2015. Collection method: clinical testing. Allele origin: germline. Observed: 54 variant alleles.
Comment: BS2, BP4_strong

Blueprint Genetics
Classification: Likely benign. Last evaluated: 2024-11-26. Review status: criteria provided, single submitter. Criteria: ACMG Guidelines, 2015. Collection method: clinical testing. Allele origin: germline.

Breakthrough Genomics
Classification: Likely benign. Review status: criteria provided, single submitter. Criteria: ACMG Guidelines, 2015. Collection method: not provided. Allele origin: germline. Inheritance: Autosomal recessive inheritance. Affected: yes.

Clinical Genetics DNA and cytogenetics Diagnostics Lab, Erasmus MC, Erasmus Medical Center
Classification: Likely benign. Review status: no assertion criteria provided. Collection method: clinical testing. Allele origin: germline. Affected: yes. Study: VKGL Data-share Consensus. Not counted in ClinVar's aggregate classification.

Clinical Genetics, Academic Medical Center
Classification: Benign. Review status: no assertion criteria provided. Collection method: clinical testing. Allele origin: germline. Affected: yes. Study: VKGL Data-share Consensus. Not counted in ClinVar's aggregate classification.

Laboratory of Diagnostic Genome Analysis, Leiden University Medical Center (LUMC)
Classification: Likely benign. Review status: no assertion criteria provided. Collection method: clinical testing. Allele origin: germline. Affected: yes. Study: VKGL Data-share Consensus. Not counted in ClinVar's aggregate classification.